The following is an entry in ClinVar:

ClinVar aggregate classification (germline): Likely benign. Review status: criteria provided, single submitter (1 of 4 stars). 2 submissions from 2 submitters: Likely benign (1). 1 of the submissions does not count toward it. Last evaluated 2024-12-03.

Conditions:
CREB3L1-related disorder. Also called: CREB3L1-related condition.

Allele frequency attached by ClinVar (database versions not stated): gnomAD exomes 0.00001; ExAC 0.00002; TOPMed 0.00006; gnomAD 0.00007; 1000 Genomes Project 0.00020; 1000 Genomes Project 30x 0.00031.
gnomAD v4.1: 26 of 1,613,852 alleles (0.0016%); highest among the groups gnomAD compares: African/African-American, 0.024%; no homozygotes.

Submissions (2):

Labcorp Genetics (formerly Invitae), Labcorp
Classification: Likely benign. Last evaluated: 2024-12-03. Review status: criteria provided, single submitter. Criteria: Invitae Variant Classification Sherloc (09022015). Collection method: clinical testing. Allele origin: germline.

PreventionGenetics, part of Exact Sciences
Classification: Uncertain significance for CREB3L1-related condition. Last evaluated: 2024-03-23. Review status: no assertion criteria provided. Collection method: clinical testing. Allele origin: germline. Not counted in ClinVar's aggregate classification.
Comment: The CREB3L1 c.1161G>A variant is not predicted to result in an amino acid change (p.=). To our knowledge, this variant has not been reported in the literature. This variant is reported in 0.017% of alleles in individuals of Latino descent in gnomAD. At this time, the clinical significance of this variant is uncertain due to the absence of conclusive functional and genetic evidence.

NM_052854.4(CREB3L1):c.1161G>A (p.Leu387=)

Gene: CREB3L1 (cAMP responsive element binding protein 3 like 1; plus strand). Cytogenetic location: 11p11.2.
Variant type: single nucleotide variant.
Coding change: c.1161G>A on transcript NM_052854.4 (MANE Select); coding-DNA position 1161, G replaced by A.
Protein change: p.Leu387=; no amino-acid change (leucine 387 retained).
Molecular consequence: synonymous variant.
Genome position (GRCh38, 1-based): chr11:46,317,390, G>A. VCF-style: chr11-46317390-G-A. GRCh37 (hg19) VCF-style: chr11-46338941-G-A.
Other names: c.1161G>A (NM_052854.3).
Identifiers: ClinVar variation 2194302 (VCV002194302.5), dbSNP rs571214665, ClinGen allele CA5961797.